The following is an entry in ClinVar:

NM_000051.4(ATM):c.3680C>A (p.Thr1227Asn)

Gene: ATM (ATM serine/threonine kinase; plus strand). Cytogenetic location: 11q22.3.
Variant type: single nucleotide variant.
Coding change: c.3680C>A on transcript NM_000051.4 (MANE Select); coding-DNA position 3680, C replaced by A.
Protein change: p.Thr1227Asn; replaces threonine 1227 with asparagine.
Molecular consequence: missense variant.
Genome position (GRCh38, 1-based): chr11:108,282,813, C>A. VCF-style: chr11-108282813-C-A. GRCh37 (hg19) VCF-style: chr11-108153540-C-A.
Other names: c.3680C>A, p.Thr1227Asn (NM_001351834.2); short protein forms T1227N.
Identifiers: ClinVar variation 485203 (VCV000485203.8), dbSNP rs1229454563, ClinGen allele CA382523327.

ClinVar aggregate classification (germline): Uncertain significance. Review status: criteria provided, multiple submitters, no conflicts (2 of 4 stars). 2 submissions from 2 submitters: Uncertain significance (2). Last evaluated 2025-03-03.

Conditions:
Hereditary cancer-predisposing syndrome. Also called: Hereditary neoplastic syndrome; Neoplastic Syndromes, Hereditary; Tumor predisposition; Hereditary Cancer Syndrome. Identifiers: Orphanet 140162, MedGen C0027672, MeSH D009386, MONDO:0015356.
Ataxia-telangiectasia syndrome (AT). Also called: LOUIS-BAR SYNDROME; Cerebello-oculocutaneous telangiectasia; Immunodeficiency with ataxia telangiectasia; AT, COMPLEMENTATION GROUP C; Ataxia-telangiectasia, complementation group D; ATAXIA-TELANGIECTASIA, COMPLEMENTATION GROUP A. Identifiers: Orphanet 100, MedGen C0004135, MONDO:0008840, OMIM 208900.

Submissions (2):

Labcorp Genetics (formerly Invitae), Labcorp
Classification: Uncertain significance for Ataxia-telangiectasia syndrome. Last evaluated: 2025-03-03. Review status: criteria provided, single submitter. Criteria: Invitae Variant Classification Sherloc (09022015). Collection method: clinical testing. Allele origin: germline.
Comment: This sequence change replaces threonine, which is neutral and polar, with asparagine, which is neutral and polar, at codon 1227 of the ATM protein (p.Thr1227Asn). This variant is not present in population databases (gnomAD no frequency). This variant has not been reported in the literature in individuals affected with ATM-related conditions. ClinVar contains an entry for this variant (Variation ID: 485203). Invitae Evidence Modeling of protein sequence and biophysical properties (such as structural, functional, and spatial information, amino acid conservation, physicochemical variation, residue mobility, and thermodynamic stability) indicates that this missense variant is not expected to disrupt ATM protein function with a negative predictive value of 95%. In summary, the available evidence is currently insufficient to determine the role of this variant in disease. Therefore, it has been classified as a Variant of Uncertain Significance.

Ambry Genetics
Classification: Uncertain significance for Hereditary cancer-predisposing syndrome. Last evaluated: 2016-08-30. Review status: criteria provided, single submitter. Criteria: Ambry Variant Classification Scheme 2023. Collection method: clinical testing. Allele origin: germline.
Comment: The p.T1227N variant (also known as c.3680C>A), located in coding exon 24 of the ATM gene, results from a C to A substitution at nucleotide position 3680. The threonine at codon 1227 is replaced by asparagine, an amino acid with similar properties. This variant was not reported in population based cohorts in the following databases: Database of Single Nucleotide Polymorphisms (dbSNP), NHLBI Exome Sequencing Project (ESP), and 1000 Genomes Project. In the ESP, this variant was not observed in 6491 samples (12982 alleles) with coverage at this position. To date, this alteration has been detected with an allele frequency of approximately 0.001% (greater than 175000 alleles tested) in our clinical cohort. This amino acid position is not well conserved in available vertebrate species. In addition, this alteration is predicted to be tolerated by in silico analysis. Since supporting evidence is limited at this time, the clinical significance of this alteration remains unclear.